The following is an entry in ClinVar:

ClinVar aggregate classification (germline): Likely benign (1 of 4 stars; one submission).

Conditions:
PLXNA2-related disorder. Also called: PLXNA2-related condition.

gnomAD v4.1: 2 of 1,612,294 alleles (0.00012%); highest among the groups gnomAD compares: Admixed American, 0.0017%; no homozygotes.

Submission:

PreventionGenetics, part of Exact Sciences
Classification: Likely benign for PLXNA2-related condition. Last evaluated: 2025-01-29. Review status: criteria provided, single submitter. Criteria: ACMG Guidelines, 2015. Collection method: clinical testing. Allele origin: germline.
Comment: This variant is classified as likely benign based on ACMG/AMP sequence variant interpretation guidelines (Richards et al. 2015 PMID: 25741868, with internal and published modifications).

NM_025179.4(PLXNA2):c.888G>T (p.Leu296=)

Gene: PLXNA2 (plexin A2; minus strand). Cytogenetic location: 1q32.2.
Variant type: single nucleotide variant.
Coding change: c.888G>T on transcript NM_025179.4 (MANE Select); coding-DNA position 888, G replaced by T.
Protein change: p.Leu296=; no amino-acid change (leucine 296 retained).
Molecular consequence: synonymous variant.
Genome position (GRCh38, 1-based): chr1:208,217,035, C>A on the plus strand (G>T on the coding strand, the complement: PLXNA2 is on the minus strand). VCF-style: chr1-208217035-C-A. GRCh37 (hg19) VCF-style: chr1-208390380-C-A.
Identifiers: ClinVar variation 4983490 (VCV004983490.1).
Genomic context (GRCh38, chr1:208,217,035, plus strand): 5'-GGCCAGGTAAGCAGCCTGCAGGAGGCGGTATTCCACCCCGGCCCGGGTGCAGCCGAAGGG[C>A]AGGGACACGTATGAGTGGAACTTGGGGTCATCCTTGCAGAGCCGCACGATGCGTGAGGTG-3'
Protein context (NP_079455.3, residues 286-306): DDPKFHSYVS[Leu296=]PFGCTRAGVE